The following is an entry in ClinVar:

ClinVar aggregate classification (germline): Likely pathogenic (1 of 4 stars; one submission).

Conditions:
Propionic acidemia (PROP). Also called: GLYCINEMIA, KETOTIC; HYPERGLYCINEMIA WITH KETOACIDOSIS AND LEUKOPENIA; KETOTIC HYPERGLYCINEMIA. Identifiers: Orphanet 35, MedGen C0268579, MONDO:0011628, OMIM 606054, HP:0003571.

Submission:

Myriad Genetics, Inc.
Classification: Likely pathogenic for Propionic acidemia. Last evaluated: 2022-05-26. Review status: criteria provided, single submitter. Criteria: Myriad Women's Health Autosomal Recessive and X-Linked Classification Criteria (2021). Collection method: clinical testing. Allele origin: unknown.
Comment: NM_000532.4(PCCB):c.1001_1002ins8(N335Lfs*16) is expected to be pathogenic in the context of PCCB-related propionic acidemia. This variant is predicted to lead to an abnormal or absent protein product due to the creation of a premature termination codon in PCCB, a gene where loss-of-function variants are known to be pathogenic. Please note: this variant was assessed in the context of healthy population screening.

NM_000532.5(PCCB):c.1001_1002insACTACTTT (p.Asn335fs)

Gene: PCCB (propionyl-CoA carboxylase subunit beta; plus strand). Cytogenetic location: 3q22.3.
Variant type: Insertion.
Coding change: c.1001_1002insACTACTTT on transcript NM_000532.5 (MANE Select); coding-DNA positions 1001 to 1002, ACTACTTT inserted.
Protein change: p.Asn335fs; shifts the reading frame from asparagine 335.
Molecular consequence: frameshift variant.
Genome position: GRCh38 VCF-style: chr3-136316975-C-CACTACTTT. GRCh37 (hg19) VCF-style: chr3-136035817-C-CACTACTTT.
Other names: c.1061_1062insACTACTTT, p.Asn355fs (NM_001178014.2); short protein forms N335fs, N355fs.
Identifiers: ClinVar variation 1726220 (VCV001726220.2), dbSNP rs2529937188, ClinGen allele CA2580068810.